The following is an entry in ClinVar:

NM_000313.4(PROS1):c.358C>G (p.Gln120Glu)

Gene: PROS1 (protein S; minus strand). Cytogenetic location: 3q11.1.
Variant type: single nucleotide variant.
Coding change: c.358C>G on transcript NM_000313.4 (MANE Select); coding-DNA position 358, C replaced by G.
Protein change: p.Gln120Glu; replaces glutamine 120 with glutamic acid.
Molecular consequence: missense variant.
Genome position (GRCh38, 1-based): chr3:93,906,132, G>C on the plus strand (C>G on the coding strand, the complement: PROS1 is on the minus strand). VCF-style: chr3-93906132-G-C. GRCh37 (hg19) VCF-style: chr3-93624976-G-C.
Other names: c.454C>G, p.Gln152Glu (NM_001314077.2); short protein forms Q152E, Q120E.
Identifiers: ClinVar variation 4747324 (VCV004747324.1).
Genomic context (GRCh38, chr3:93,906,132, plus strand): 5'-AAGCTTTTCCATCTTTGCAGCTCATATATCCATCTTCATTGCATGGCAGAGGACTACACT[G>C]GTCTGGAATGGCTGAAGGAAATAGACATCTATTTATTTTTTTTATCTCATGTCATGGAAA-3'
Protein context (NP_000304.2, residues 110-130): LRSCVNAIPD[Gln120Glu]CSPLPCNEDG

ClinVar aggregate classification (germline): Uncertain significance (1 of 4 stars; one submission).

Conditions:
Thrombophilia due to protein S deficiency, autosomal recessive (THPH6). Identifiers: Orphanet 743, MedGen C3281092, MONDO:0013791, OMIM 614514. Disease mechanism: loss of function.

gnomAD v4.1: 3 of 1,612,844 alleles (0.00019%); highest among the groups gnomAD compares: Non-Finnish European, 0.000085%; no homozygotes.

Submission:

Labcorp Genetics (formerly Invitae), Labcorp
Classification: Uncertain significance for Thrombophilia due to protein S deficiency, autosomal recessive. Last evaluated: 2025-03-12. Review status: criteria provided, single submitter. Criteria: Invitae Variant Classification Sherloc (09022015). Collection method: clinical testing. Allele origin: germline.
Comment: This sequence change replaces glutamine, which is neutral and polar, with glutamic acid, which is acidic and polar, at codon 120 of the PROS1 protein (p.Gln120Glu). This variant is present in population databases (no rsID available, gnomAD no frequency). This missense change has been observed in individual(s) with protein S deficiency (PMID: 20880255). Invitae Evidence Modeling of protein sequence and biophysical properties (such as structural, functional, and spatial information, amino acid conservation, physicochemical variation, residue mobility, and thermodynamic stability) indicates that this missense variant is expected to disrupt PROS1 protein function with a positive predictive value of 80%. This variant disrupts the p.Thr78 amino acid residue in PROS1. Other variant(s) that disrupt this residue have been observed in individuals with PROS1-related conditions (PMID: 20880255), which suggests that this may be a clinically significant amino acid residue. In summary, the available evidence is currently insufficient to determine the role of this variant in disease. Therefore, it has been classified as a Variant of Uncertain Significance.

Literature cited by the submitters: PubMed 20880255.